The following is an entry in ClinVar:

ClinVar aggregate classification (germline): Uncertain significance. Review status: criteria provided, multiple submitters, no conflicts (2 of 4 stars). 5 submissions from 3 submitters: Uncertain significance (5). Last evaluated 2022-08-16.

Conditions:
Charcot-Marie-Tooth disease axonal type 2X. Also called: CHARCOT-MARIE-TOOTH DISEASE, AXONAL, AUTOSOMAL RECESSIVE, TYPE 2X; CHARCOT-MARIE-TOOTH NEUROPATHY, TYPE 2X. Identifiers: Orphanet 466775, MedGen C5569024, MONDO:0014726, OMIM 616668.
Amyotrophic lateral sclerosis type 5 (ALS5). Also called: AMYOTROPHIC LATERAL SCLEROSIS 5, JUVENILE. Identifiers: Orphanet 300605, MedGen C1865864, MONDO:0011196, OMIM 602099.
Hereditary spastic paraplegia 11. Also called: Nakamura Osame syndrome; Autosomal recessive hereditary spastic paraplegia, mental impairment, and thin corpus callosum; SPASTIC PARAPLEGIA, AUTOSOMAL RECESSIVE, COMPLICATED, WITH THIN CORPUS CALLOSUM; SPASTIC PARAPLEGIA, AUTOSOMAL RECESSIVE, WITH MENTAL IMPAIRMENT AND THIN CORPUS CALLOSUM; Spastic paraplegia, mental retardation and thin corpus callosum; Spastic Paraplegia 11. Identifiers: Orphanet 2822, MedGen C1858479, MONDO:0011445, OMIM 604360.

Allele frequency attached by ClinVar (database versions not stated): TOPMed 0.00002.
gnomAD v4.1: 7 of 1,613,962 alleles (0.00043%); highest among the groups gnomAD compares: African/African-American, 0.0013%; no homozygotes.

Submissions (5):

Labcorp Genetics (formerly Invitae), Labcorp
Classification: Uncertain significance for Hereditary spastic paraplegia 11. Last evaluated: 2022-08-16. Review status: criteria provided, single submitter. Criteria: Invitae Variant Classification Sherloc (09022015). Collection method: clinical testing. Allele origin: germline.
Comment: This sequence change replaces histidine, which is basic and polar, with asparagine, which is neutral and polar, at codon 2131 of the SPG11 protein (p.His2131Asn). This variant is not present in population databases (gnomAD no frequency). This variant has not been reported in the literature in individuals affected with SPG11-related conditions. ClinVar contains an entry for this variant (Variation ID: 578281). Algorithms developed to predict the effect of missense changes on protein structure and function are either unavailable or do not agree on the potential impact of this missense change (SIFT: "Tolerated"; PolyPhen-2: "Possibly Damaging"; Align-GVGD: "Class C0"). In summary, the available evidence is currently insufficient to determine the role of this variant in disease. Therefore, it has been classified as a Variant of Uncertain Significance.

Mayo Clinic Laboratories, Mayo Clinic
Classification: Uncertain significance. Last evaluated: 2019-05-12. Review status: criteria provided, single submitter. Criteria: ACMG Guidelines, 2015. Collection method: clinical testing. Allele origin: germline. Observed: 1 variant allele.

Genome-Nilou Lab
Classification: Uncertain significance for Amyotrophic lateral sclerosis type 5. Review status: criteria provided, single submitter. Criteria: ACMG Guidelines, 2015. Collection method: clinical testing. Allele origin: germline.

Genome-Nilou Lab
Classification: Uncertain significance for Charcot-Marie-Tooth disease axonal type 2X. Review status: criteria provided, single submitter. Criteria: ACMG Guidelines, 2015. Collection method: clinical testing. Allele origin: germline.

Genome-Nilou Lab
Classification: Uncertain significance for Hereditary spastic paraplegia 11. Review status: criteria provided, single submitter. Criteria: ACMG Guidelines, 2015. Collection method: clinical testing. Allele origin: germline.

NM_025137.4(SPG11):c.6391C>A (p.His2131Asn)

Gene: SPG11 (SPG11 vesicle trafficking associated, spatacsin; minus strand). Cytogenetic location: 15q21.1.
Variant type: single nucleotide variant.
Coding change: c.6391C>A on transcript NM_025137.4 (MANE Select); coding-DNA position 6391, C replaced by A.
Protein change: p.His2131Asn; replaces histidine 2131 with asparagine.
Molecular consequence: missense variant.
Genome position (GRCh38, 1-based): chr15:44,570,611, G>T on the plus strand (C>A on the coding strand, the complement: SPG11 is on the minus strand). VCF-style: chr15-44570611-G-T. GRCh37 (hg19) VCF-style: chr15-44862809-G-T.
Other names: c.6052C>A, p.His2018Asn (NM_001160227.2); short protein forms H2131N, H2018N.
Identifiers: ClinVar variation 578281 (VCV000578281.13), dbSNP rs775209503, ClinGen allele CA270062919.